The following is an entry in ClinVar:

NM_000135.4(FANCA):c.184del (p.Glu63fs)

Gene: FANCA (FA complementation group A; minus strand). Cytogenetic location: 16q24.3.
Variant type: Deletion.
Coding change: c.184del on transcript NM_000135.4 (MANE Select); coding-DNA position 184, one base deleted (C; older notation c.184delC).
Protein change: p.Glu63fs; shifts the reading frame from glutamic acid 63.
Molecular consequence: frameshift variant.
Genome position (GRCh38, 1-based): chr16:89,815,882, G deleted on the plus strand (C on the coding strand, the reverse complement: FANCA is on the minus strand). VCF-style (leftmost placement, unchanged base first): chr16-89815881-AG-A. GRCh37 (hg19) VCF-style: chr16-89882289-AG-A.
Other names: c.184del, p.Glu63fs (NM_001018112.3, NM_001286167.3, NM_001351830.2); short protein forms E63fs.
Identifiers: ClinVar variation 1068905 (VCV001068905.5), dbSNP rs1260966020, ClinGen allele CA624275328.

ClinVar aggregate classification (germline): Pathogenic (1 of 4 stars; one submission).

Conditions:
Fanconi anemia (FA). Also called: Fanconi's anemia. Identifiers: Orphanet 84, MedGen C0015625, MeSH D005199, MONDO:0019391.

Allele frequency attached by ClinVar (database versions not stated): gnomAD exomes below 0.00001 and 0.00001; TOPMed 0.00001.

Submission:

Labcorp Genetics (formerly Invitae), Labcorp
Classification: Pathogenic for Fanconi anemia. Last evaluated: 2023-11-20. Review status: criteria provided, single submitter. Criteria: Invitae Variant Classification Sherloc (09022015). Collection method: clinical testing. Allele origin: germline.
Comment: This sequence change creates a premature translational stop signal (p.Glu63Argfs*2) in the FANCA gene. It is expected to result in an absent or disrupted protein product. Loss-of-function variants in FANCA are known to be pathogenic (PMID: 19367192). This variant is present in population databases (no rsID available, gnomAD 0.01%). This variant has not been reported in the literature in individuals affected with FANCA-related conditions. ClinVar contains an entry for this variant (Variation ID: 1068905). For these reasons, this variant has been classified as Pathogenic.

Literature cited by the submitters: PubMed 19367192.